The following is an entry in ClinVar:

ClinVar aggregate classification (germline): Uncertain significance (1 of 4 stars; one submission).

gnomAD v4.1: 2 of 1,614,000 alleles (0.00012%); highest among the groups gnomAD compares: South Asian, 0.0022%; no homozygotes.

Submission:

GeneDx
Classification: Uncertain significance. Last evaluated: 2023-06-27. Review status: criteria provided, single submitter. Criteria: GeneDx Variant Classification Process June 2021. Collection method: clinical testing. Allele origin: germline. Affected: yes.
Comment: Not observed at significant frequency in large population cohorts (gnomAD); In silico analysis supports that this missense variant does not alter protein structure/function; Has not been previously published as pathogenic or benign to our knowledge

NM_025243.4(SLC19A3):c.1441G>T (p.Val481Leu)

Gene: SLC19A3 (solute carrier family 19 member 3; minus strand). Cytogenetic location: 2q36.3.
Variant type: single nucleotide variant.
Coding change: c.1441G>T on transcript NM_025243.4 (MANE Select); coding-DNA position 1441, G replaced by T.
Protein change: p.Val481Leu; replaces valine 481 with leucine.
Molecular consequence: missense variant.
Genome position (GRCh38, 1-based): chr2:227,687,447, C>A on the plus strand (G>T on the coding strand, the complement: SLC19A3 is on the minus strand). VCF-style: chr2-227687447-C-A. GRCh37 (hg19) VCF-style: chr2-228552163-C-A.
Other names: c.1441G>T, p.Val481Leu (NM_001371411.1, NM_001371412.1); c.1429G>T, p.Val477Leu (NM_001371413.1, NM_001371414.1); short protein forms V477L, V481L.
Identifiers: ClinVar variation 3359968 (VCV003359968.1).